The following is an entry in ClinVar:

ClinVar aggregate classification (germline): Conflicting classifications of pathogenicity. Review status: criteria provided, conflicting classifications (1 of 4 stars). 2 submissions from 2 submitters: Uncertain significance (1); Likely benign (1). Last evaluated 2025-08-05.

Conditions:
Axenfeld-Rieger syndrome type 3 (RIEG3). Also called: AXENFELD-RIEGER ANOMALY WITH CARDIAC DEFECTS AND/OR SENSORINEURAL HEARING LOSS. Identifiers: Orphanet 782, MedGen C2678503, MONDO:0011233, OMIM 602482.

Allele frequency attached by ClinVar (database versions not stated): ExAC 0.00001; gnomAD exomes 0.00001; TOPMed 0.00001.
gnomAD v4.1: 8 of 1,611,952 alleles (0.0005%); highest among the groups gnomAD compares: Admixed American, 0.0067%; no homozygotes.

Submissions (2):

Labcorp Genetics (formerly Invitae), Labcorp
Classification: Uncertain significance for Axenfeld-Rieger syndrome type 3. Last evaluated: 2025-08-05. Review status: criteria provided, single submitter. Criteria: Invitae Variant Classification Sherloc (09022015). Collection method: clinical testing. Allele origin: germline.
Comment: This sequence change replaces alanine, which is neutral and non-polar, with valine, which is neutral and non-polar, at codon 61 of the FOXC1 protein (p.Ala61Val). This variant is present in population databases (rs751162614, gnomAD 0.01%). This variant has not been reported in the literature in individuals affected with FOXC1-related conditions. ClinVar contains an entry for this variant (Variation ID: 2727823). An algorithm developed to predict the effect of missense changes on protein structure and function (PolyPhen-2) suggests that this variant is likely to be disruptive. In summary, the available evidence is currently insufficient to determine the role of this variant in disease. Therefore, it has been classified as a Variant of Uncertain Significance.

CeGaT Center for Human Genetics Tuebingen
Classification: Likely benign. Last evaluated: 2024-07-01. Review status: criteria provided, single submitter. Criteria: CeGaT Center For Human Genetics Tuebingen Variant Classification Criteria Version 2. Collection method: clinical testing. Allele origin: germline. Affected: yes. Observed: 1 variant allele.
Comment: FOXC1: PP3, BS2

NM_001453.3(FOXC1):c.182C>T (p.Ala61Val)

Gene: FOXC1 (forkhead box C1; plus strand). Cytogenetic location: 6p25.3.
Variant type: single nucleotide variant.
Coding change: c.182C>T on transcript NM_001453.3 (MANE Select); coding-DNA position 182, C replaced by T.
Protein change: p.Ala61Val; replaces alanine 61 with valine.
Molecular consequence: missense variant.
Genome position (GRCh38, 1-based): chr6:1,610,627, C>T. VCF-style: chr6-1610627-C-T. GRCh37 (hg19) VCF-style: chr6-1610862-C-T.
Other names: short protein forms A61V.
Identifiers: ClinVar variation 2727823 (VCV002727823.20), dbSNP rs751162614, ClinGen allele CA3614708.